The following is an entry in ClinVar:

ClinVar aggregate classification (germline): Conflicting classifications of pathogenicity. Review status: criteria provided, conflicting classifications (1 of 4 stars). 6 submissions from 6 submitters: Uncertain significance (1); Benign (1); Likely benign (3). 1 of the submissions does not count toward it. Last evaluated 2025-12-05.

Conditions:
SPTB-related disorder. Also called: SPTB-Related Disorders; SPTB-related condition.

Allele frequency attached by ClinVar (database versions not stated): 1000 Genomes Project 30x 0.00031; 1000 Genomes Project 0.00040; TOPMed 0.00106; ESP Exome Variant Server 0.00108; gnomAD 0.00109 and 0.00113; gnomAD exomes 0.00111 and 0.00195; ExAC 0.00113.
gnomAD v4.1: 2,977 of 1,613,236 alleles (0.18%); highest among the groups gnomAD compares: Non-Finnish European, 0.24%; 2 homozygotes.

Submissions (6):

Mayo Clinic Laboratories, Mayo Clinic
Classification: Uncertain significance. Last evaluated: 2025-12-05. Review status: criteria provided, single submitter. Criteria: ACMG Guidelines, 2015. Collection method: clinical testing. Allele origin: germline. Observed: 13 variant alleles.
Comment: BP4_moderate

CeGaT Center for Human Genetics Tuebingen
Classification: Likely benign. Last evaluated: 2025-12-01. Review status: criteria provided, single submitter. Criteria: CeGaT Center For Human Genetics Tuebingen Variant Classification Criteria Version 2. Collection method: clinical testing. Allele origin: germline. Affected: yes. Observed: 1 variant allele.
Comment: SPTB: BP4, BS2

ARUP Laboratories, Molecular Genetics and Genomics, ARUP Laboratories
Classification: Likely benign. Last evaluated: 2025-07-16. Review status: criteria provided, single submitter. Criteria: ARUP Molecular Germline Variant Investigation Process 2024. Collection method: clinical testing. Allele origin: germline.

Labcorp Genetics (formerly Invitae), Labcorp
Classification: Benign. Last evaluated: 2025-05-14. Review status: criteria provided, single submitter. Criteria: Invitae Variant Classification Sherloc (09022015). Collection method: clinical testing. Allele origin: germline.

Blueprint Genetics
Classification: Likely benign. Last evaluated: 2024-11-06. Review status: criteria provided, single submitter. Criteria: ACMG Guidelines, 2015. Collection method: clinical testing. Allele origin: germline.

PreventionGenetics, part of Exact Sciences
Classification: Likely benign for SPTB-related condition. Last evaluated: 2020-08-04. Review status: no assertion criteria provided. Collection method: clinical testing. Allele origin: germline. Not counted in ClinVar's aggregate classification.
Comment: This variant is classified as likely benign based on ACMG/AMP sequence variant interpretation guidelines (Richards et al. 2015 PMID: 25741868, with internal and published modifications).

Literature cited by the submitters: PubMed 32436265 (cited by Mayo Clinic Laboratories, Mayo Clinic); PubMed 36882369 (cited by Mayo Clinic Laboratories, Mayo Clinic).

NM_001355436.2(SPTB):c.4670A>G (p.Glu1557Gly)

Gene: SPTB (spectrin beta, erythrocytic; minus strand). Cytogenetic location: 14q23.3.
Variant type: single nucleotide variant.
Coding change: c.4670A>G on transcript NM_001355436.2 (MANE Select); coding-DNA position 4670, A replaced by G.
Protein change: p.Glu1557Gly; replaces glutamic acid 1557 with glycine.
Molecular consequence: missense variant.
Genome position (GRCh38, 1-based): chr14:64,775,297, T>C on the plus strand (A>G on the coding strand, the complement: SPTB is on the minus strand). VCF-style: chr14-64775297-T-C. GRCh37 (hg19) VCF-style: chr14-65242015-T-C.
Other names: c.4670A>G, p.Glu1557Gly (NM_001024858.4, NM_001355437.2); c.4670A>G (NM_001024858.2); short protein forms E1557G.
Identifiers: ClinVar variation 811648 (VCV000811648.29), dbSNP rs140648376, ClinGen allele CA7230226.